The following is an entry in ClinVar:

NM_014804.3(KIAA0753):c.1109T>A (p.Leu370Ter)

Gene: KIAA0753 (KIAA0753; minus strand). Cytogenetic location: 17p13.1.
Variant type: single nucleotide variant.
Coding change: c.1109T>A on transcript NM_014804.3 (MANE Select); coding-DNA position 1109, T replaced by A.
Protein change: p.Leu370Ter; replaces leucine 370 with a stop codon.
Molecular consequence: nonsense. On other transcripts: non-coding transcript variant (3).
Genome position (GRCh38, 1-based): chr17:6,620,994, A>T on the plus strand (T>A on the coding strand, the complement: KIAA0753 is on the minus strand). VCF-style: chr17-6620994-A-T. GRCh37 (hg19) VCF-style: chr17-6524314-A-T.
Other names: c.212T>A, p.Leu71Ter (NM_001351225.2); short protein forms L370*, L71*.
Identifiers: ClinVar variation 3642682 (VCV003642682.3).
Genomic context (GRCh38, chr17:6,620,994, plus strand): 5'-ATTTCACTGAAACATTTTTTCACCTTTTTTGGTGACAGTTTCTTTTCCAGGAGAGATTCC[A>T]AAGCCTGCCACAAAAACAATCAATTATTCTCTTAGTTTATCTCGCAAAAGTATGACTTTT-3'

ClinVar aggregate classification (germline): Pathogenic/Likely pathogenic. Review status: criteria provided, multiple submitters, no conflicts (2 of 4 stars). 2 submissions from 2 submitters: Pathogenic (1); Likely pathogenic (1). Last evaluated 2024-12-12.

Conditions:
KIAA0753-related disorder.

gnomAD v4.1: 79 of 1,611,878 alleles (0.0049%); highest among the groups gnomAD compares: Non-Finnish European, 0.0058%; no homozygotes.

Submissions (2):

Labcorp Genetics (formerly Invitae), Labcorp
Classification: Pathogenic. Last evaluated: 2024-12-12. Review status: criteria provided, single submitter. Criteria: Invitae Variant Classification Sherloc (09022015). Collection method: clinical testing. Allele origin: germline.
Comment: This sequence change creates a premature translational stop signal (p.Leu370*) in the KIAA0753 gene. It is expected to result in an absent or disrupted protein product. Loss-of-function variants in KIAA0753 are known to be pathogenic (PMID: 29138412). This variant is present in population databases (rs773366392, gnomAD 0.009%). This variant has not been reported in the literature in individuals affected with KIAA0753-related conditions. For these reasons, this variant has been classified as Pathogenic.

Blueprint Genetics
Classification: Likely pathogenic for KIAA0753-related disorders. Last evaluated: 2022-10-17. Review status: criteria provided, single submitter. Criteria: ACMG Guidelines, 2015. Collection method: clinical testing. Allele origin: germline. Affected: yes. Observed: 2 variant alleles.

Literature cited by the submitters: PubMed 29138412 (cited by Labcorp Genetics (formerly Invitae), Labcorp).